The following is an entry in ClinVar:

ClinVar aggregate classification (germline): Uncertain significance. Review status: criteria provided, multiple submitters, no conflicts (2 of 4 stars). 2 submissions from 2 submitters: Uncertain significance (2). Last evaluated 2025-07-14.

Conditions:
Hereditary cancer-predisposing syndrome. Also called: Hereditary Cancer Syndrome; Hereditary neoplastic syndrome; Neoplastic Syndromes, Hereditary; Tumor predisposition. Identifiers: Orphanet 140162, MedGen C0027672, MeSH D009386, MONDO:0015356.
POLD1-related polyposis and colorectal cancer syndrome (CRCS10). Also called: Colorectal cancer, susceptibility to, 10; Colorectal cancer 10; COLORECTAL CANCER, SUSCEPTIBILITY TO, ON CHROMOSOME 19q. Identifiers: Orphanet 220460, MedGen C2675481, MONDO:0012953, OMIM 612591.

Allele frequency attached by ClinVar (database versions not stated): gnomAD exomes below 0.00001; ExAC 0.00001.

Submissions (2):

Labcorp Genetics (formerly Invitae), Labcorp
Classification: Uncertain significance for POLD1-related polyposis and colorectal cancer syndrome. Last evaluated: 2025-07-14. Review status: criteria provided, single submitter. Criteria: Invitae Variant Classification Sherloc (09022015). Collection method: clinical testing. Allele origin: germline.
Comment: This sequence change replaces leucine, which is neutral and non-polar, with valine, which is neutral and non-polar, at codon 513 of the POLD1 protein (p.Leu513Val). This variant is present in population databases (rs746086672, gnomAD 0.0009%). This variant has not been reported in the literature in individuals affected with POLD1-related conditions. ClinVar contains an entry for this variant (Variation ID: 819494). Invitae Evidence Modeling of protein sequence and biophysical properties (such as structural, functional, and spatial information, amino acid conservation, physicochemical variation, residue mobility, and thermodynamic stability) indicates that this missense variant is not expected to disrupt POLD1 protein function with a negative predictive value of 80%. In summary, the available evidence is currently insufficient to determine the role of this variant in disease. Therefore, it has been classified as a Variant of Uncertain Significance.

Ambry Genetics
Classification: Uncertain significance for Hereditary cancer-predisposing syndrome. Last evaluated: 2024-02-22. Review status: criteria provided, single submitter. Criteria: Ambry Variant Classification Scheme 2023. Collection method: clinical testing. Allele origin: germline.
Comment: The p.L513V variant (also known as c.1537C>G), located in coding exon 12 of the POLD1 gene, results from a C to G substitution at nucleotide position 1537. The leucine at codon 513 is replaced by valine, an amino acid with highly similar properties. This amino acid position is highly conserved in available vertebrate species. In addition, this alteration is predicted to be tolerated by in silico analysis. Since supporting evidence is limited at this time, the clinical significance of this alteration remains unclear.

NM_002691.4(POLD1):c.1537C>G (p.Leu513Val)

Gene: POLD1 (DNA polymerase delta 1, catalytic subunit; plus strand). Cytogenetic location: 19q13.33.
Variant type: single nucleotide variant.
Coding change: c.1537C>G on transcript NM_002691.4 (MANE Select); coding-DNA position 1537, C replaced by G.
Protein change: p.Leu513Val; replaces leucine 513 with valine.
Molecular consequence: missense variant. On other transcripts: non-coding transcript variant (1).
Genome position (GRCh38, 1-based): chr19:50,407,025, C>G. VCF-style: chr19-50407025-C-G. GRCh37 (hg19) VCF-style: chr19-50910282-C-G.
Other names: c.1537C>G, p.Leu513Val (NM_001256849.1, NM_001308632.1); short protein forms L513V.
Identifiers: ClinVar variation 819494 (VCV000819494.10), dbSNP rs746086672, ClinGen allele CA9596168.
Genomic context (GRCh38, chr19:50,407,025, plus strand): 5'-ATCCGTGCCCATCCCCAGAATGGGAACGACCAGACCCGCCGCCGCCTGGCTGTGTACTGC[C>G]TGAAGGATGCCTACCTGCCACTGCGGCTGCTGGAGCGGCTCATGGTGCTGGTGAACGCCG-3'
Protein context (NP_002682.2, residues 503-523): QTRRRLAVYC[Leu513Val]KDAYLPLRLL